The following is an entry in ClinVar:

ClinVar aggregate classification (germline): Uncertain significance (1 of 4 stars; one submission).

Allele frequency attached by ClinVar (database versions not stated): gnomAD exomes below 0.00001; TOPMed 0.00001; ExAC 0.00002.
gnomAD v4.1: 6 of 1,612,124 alleles (0.00037%); highest among the groups gnomAD compares: Admixed American, 0.01%; no homozygotes.

Submission:

Labcorp Genetics (formerly Invitae), Labcorp
Classification: Uncertain significance. Last evaluated: 2022-04-12. Review status: criteria provided, single submitter. Criteria: Invitae Variant Classification Sherloc (09022015). Collection method: clinical testing. Allele origin: germline.
Comment: This sequence change falls in intron 1 of the CCDC88A gene. It does not directly change the encoded amino acid sequence of the CCDC88A protein. It affects a nucleotide within the consensus splice site. This variant is present in population databases (rs772560451, gnomAD 0.02%). This variant has not been reported in the literature in individuals affected with CCDC88A-related conditions. Variants that disrupt the consensus splice site are a relatively common cause of aberrant splicing (PMID: 17576681, 9536098). Algorithms developed to predict the effect of sequence changes on RNA splicing suggest that this variant is not likely to affect RNA splicing. In summary, the available evidence is currently insufficient to determine the role of this variant in disease. Therefore, it has been classified as a Variant of Uncertain Significance.

Literature cited by the submitters: PubMed 17576681; PubMed 9536098.

NM_001365480.1(CCDC88A):c.63+4A>T

Gene: CCDC88A (coiled-coil domain containing 88A; minus strand). Cytogenetic location: 2p16.1.
Variant type: single nucleotide variant.
Coding change: c.63+4A>T on transcript NM_001365480.1 (MANE Select); 4 bases into the intron after coding-DNA position 63, A replaced by T.
Molecular consequence: intron variant.
Genome position (GRCh38, 1-based): chr2:55,419,013, T>A on the plus strand (A>T on the coding strand, the complement: CCDC88A is on the minus strand). VCF-style: chr2-55419013-T-A. GRCh37 (hg19) VCF-style: chr2-55646149-T-A.
Other names: c.63+4A>T (NM_001254943.2, NM_001135597.2, NM_018084.5).
Identifiers: ClinVar variation 2194029 (VCV002194029.1), dbSNP rs772560451, ClinGen allele CA1666523.